The following is an entry in ClinVar:

NM_014000.3(VCL):c.1359A>C (p.Lys453Asn)

Gene: VCL (vinculin; plus strand). Cytogenetic location: 10q22.2.
Variant type: single nucleotide variant.
Coding change: c.1359A>C on transcript NM_014000.3 (MANE Select); coding-DNA position 1359, A replaced by C.
Protein change: p.Lys453Asn; replaces lysine 453 with asparagine.
Molecular consequence: missense variant.
Genome position (GRCh38, 1-based): chr10:74,094,277, A>C. VCF-style: chr10-74094277-A-C. GRCh37 (hg19) VCF-style: chr10-75854035-A-C.
Other names: c.1359A>C, p.Lys453Asn (NM_003373.4); short protein forms K453N.
Identifiers: ClinVar variation 1770755 (VCV001770755.7), dbSNP rs1839931623, ClinGen allele CA377273650.

ClinVar aggregate classification (germline): Uncertain significance. Review status: criteria provided, multiple submitters, no conflicts (2 of 4 stars). 2 submissions from 2 submitters: Uncertain significance (2). Last evaluated 2025-12-08.

Conditions:
Cardiovascular phenotype. Identifiers: MedGen CN230736.
Dilated cardiomyopathy 1W (CMD1W). Identifiers: Orphanet 154, MedGen C1969639, MONDO:0012667, OMIM 611407.

Allele frequency attached by ClinVar (database versions not stated): TOPMed below 0.00001.

Submissions (2):

Labcorp Genetics (formerly Invitae), Labcorp
Classification: Uncertain significance for Dilated cardiomyopathy 1W. Last evaluated: 2025-12-08. Review status: criteria provided, single submitter. Criteria: Invitae Variant Classification Sherloc (09022015). Collection method: clinical testing. Allele origin: germline.
Comment: This sequence change replaces lysine, which is basic and polar, with asparagine, which is neutral and polar, at codon 453 of the VCL protein (p.Lys453Asn). This variant is not present in population databases (gnomAD no frequency). This variant has not been reported in the literature in individuals affected with VCL-related conditions. ClinVar contains an entry for this variant (Variation ID: 1770755). An algorithm developed to predict the effect of missense changes on protein structure and function (PolyPhen-2) suggests that this variant is likely to be disruptive. In summary, the available evidence is currently insufficient to determine the role of this variant in disease. Therefore, it has been classified as a Variant of Uncertain Significance.

Ambry Genetics
Classification: Uncertain significance for Cardiovascular phenotype. Last evaluated: 2021-07-22. Review status: criteria provided, single submitter. Criteria: Ambry Variant Classification Scheme 2023. Collection method: clinical testing. Allele origin: germline.
Comment: The p.K453N variant (also known as c.1359A>C), located in coding exon 11 of the VCL gene, results from an A to C substitution at nucleotide position 1359. The lysine at codon 453 is replaced by asparagine, an amino acid with similar properties. This amino acid position is conserved. In addition, this alteration is predicted to be tolerated by in silico analysis. Since supporting evidence is limited at this time, the clinical significance of this alteration remains unclear.